The following is an entry in ClinVar:

ClinVar aggregate classification (germline): Likely benign. Review status: criteria provided, multiple submitters, no conflicts (2 of 4 stars). 2 submissions from 2 submitters: Likely benign (2). Last evaluated 2018-07-21.

Conditions:
Multiple acyl-CoA dehydrogenase deficiency (MADD). Also called: ETHYLMALONIC-ADIPICACIDURIA; GA II; Glutaric aciduria, type 2; Glutaric acidemia type II; GA 2; Glutaric Acidemia type 2. Identifiers: Orphanet 26791, MedGen C0268596, MONDO:0009282, OMIM 231680.

Allele frequency attached by ClinVar (database versions not stated): 1000 Genomes Project 0.00439; 1000 Genomes Project 30x 0.00500; gnomAD 0.00516; TOPMed 0.00667.
gnomAD v4.1: 1,695 of 1,528,614 alleles (0.11%); highest among the groups gnomAD compares: African/African-American, 1.9%; 20 homozygotes.

Submissions (2):

GeneDx
Classification: Likely benign. Last evaluated: 2018-07-21. Review status: criteria provided, single submitter. Criteria: GeneDx Variant Classification Process June 2021. Collection method: clinical testing. Allele origin: germline. Affected: yes.

Illumina Laboratory Services, Illumina
Classification: Likely benign for Multiple acyl-CoA dehydrogenase deficiency. Last evaluated: 2018-01-13. Review status: criteria provided, single submitter. Criteria: ICSL Variant Classification Criteria 13 December 2019. Collection method: clinical testing. Allele origin: germline.
Comment: This variant was observed in the ICSL laboratory as part of a predisposition screen in an ostensibly healthy population. It had not been previously curated by ICSL or reported in the Human Gene Mutation Database (HGMD: prior to June 1st, 2018), and was therefore a candidate for classification through an automated scoring system. Utilizing variant allele frequency, disease prevalence and penetrance estimates, and inheritance mode, an automated score was calculated to assess if this variant is too frequent to cause the disease. Based on the score and internal cut-off values, a variant classified as likely benign is not then subjected to further curation. The score for this variant resulted in a classification of likely benign for this disease.

NM_000126.4(ETFA):c.-71T>C

Gene: ETFA (electron transfer flavoprotein subunit alpha; minus strand). Cytogenetic location: 15q24.3.
Variant type: single nucleotide variant.
Coding change: c.-71T>C on transcript NM_000126.4 (MANE Select); 71 bases upstream of the start codon, T replaced by C.
Molecular consequence: 5 prime UTR variant.
Genome position (GRCh38, 1-based): chr15:76,311,459, A>G on the plus strand (T>C on the coding strand, the complement: ETFA is on the minus strand). VCF-style: chr15-76311459-A-G. GRCh37 (hg19) VCF-style: chr15-76603800-A-G.
Other names: c.-71T>C (NM_001127716.2).
Identifiers: ClinVar variation 317161 (VCV000317161.7), dbSNP rs116149551, ClinGen allele CA10647420.